The following is an entry in ClinVar:

NM_004341.5(CAD):c.5461C>T (p.Pro1821Ser)

Gene: CAD (carbamoyl-phosphate synthetase 2, aspartate transcarbamylase, and dihydroorotase; plus strand). Cytogenetic location: 2p23.3.
Variant type: single nucleotide variant.
Coding change: c.5461C>T on transcript NM_004341.5 (MANE Select); coding-DNA position 5461, C replaced by T.
Protein change: p.Pro1821Ser; replaces proline 1821 with serine.
Molecular consequence: missense variant.
Genome position (GRCh38, 1-based): chr2:27,239,763, C>T. VCF-style: chr2-27239763-C-T. GRCh37 (hg19) VCF-style: chr2-27462631-C-T.
Other names: c.5272C>T, p.Pro1758Ser (NM_001306079.2); short protein forms P1758S, P1821S.
Identifiers: ClinVar variation 1439659 (VCV001439659.5), dbSNP rs947537947, ClinGen allele CA44516385.

ClinVar aggregate classification (germline): Uncertain significance (1 of 4 stars; one submission).

Allele frequency attached by ClinVar (database versions not stated): gnomAD exomes below 0.00001; TOPMed 0.00001.
gnomAD v4.1: 2 of 1,583,788 alleles (0.00013%); highest among the groups gnomAD compares: Admixed American, 0.0018%; no homozygotes.

Submission:

Labcorp Genetics (formerly Invitae), Labcorp
Classification: Uncertain significance. Last evaluated: 2022-02-04. Review status: criteria provided, single submitter. Criteria: Invitae Variant Classification Sherloc (09022015). Collection method: clinical testing. Allele origin: germline.
Comment: This sequence change replaces proline, which is neutral and non-polar, with serine, which is neutral and polar, at codon 1821 of the CAD protein (p.Pro1821Ser). The frequency data for this variant in the population databases is considered unreliable, as metrics indicate poor data quality at this position in the gnomAD database. This variant has not been reported in the literature in individuals affected with CAD-related conditions. Algorithms developed to predict the effect of missense changes on protein structure and function (SIFT, PolyPhen-2, Align-GVGD) all suggest that this variant is likely to be tolerated. In summary, the available evidence is currently insufficient to determine the role of this variant in disease. Therefore, it has been classified as a Variant of Uncertain Significance.